The following is an entry in ClinVar:

NM_001243279.3(ACSF3):c.667-9C>T

Gene: ACSF3 (acyl-CoA synthetase family member 3; plus strand). Cytogenetic location: 16q24.3.
Variant type: single nucleotide variant.
Coding change: c.667-9C>T on transcript NM_001243279.3 (MANE Select); 9 bases into the intron before coding-DNA position 667, C replaced by T.
Molecular consequence: intron variant.
Genome position (GRCh38, 1-based): chr16:89,102,595, C>T. VCF-style: chr16-89102595-C-T. GRCh37 (hg19) VCF-style: chr16-89169003-C-T.
Other names: c.667-9C>T (NM_001127214.4, NM_174917.5); c.-129-9C>T (NM_001284316.2).
Identifiers: ClinVar variation 726783 (VCV000726783.14), dbSNP rs369865917, ClinGen allele CA8237754.

ClinVar aggregate classification (germline): Likely benign. Review status: criteria provided, multiple submitters, no conflicts (2 of 4 stars). 4 submissions from 4 submitters: Likely benign (2). 2 of the submissions do not count toward it. Last evaluated 2026-01-13.

Conditions:
Combined malonic and methylmalonic acidemia. Identifiers: Orphanet 289504, MedGen C3280314, MONDO:0013661, OMIM 614265.
ACSF3-related disorder. Also called: ACSF3-related condition.

Allele frequency attached by ClinVar (database versions not stated): TOPMed 0.00014; ExAC 0.00016; ESP Exome Variant Server 0.00023.
gnomAD v4.1: 158 of 1,613,316 alleles (0.0098%); highest among the groups gnomAD compares: Non-Finnish European, 0.013%; 2 homozygotes.

Submissions (4):

Labcorp Genetics (formerly Invitae), Labcorp
Classification: Likely benign for Combined malonic and methylmalonic acidemia. Last evaluated: 2026-01-13. Review status: criteria provided, single submitter. Criteria: Invitae Variant Classification Sherloc (09022015). Collection method: clinical testing. Allele origin: germline.

Fulgent Genetics
Classification: Likely benign for Combined malonic and methylmalonic acidemia. Last evaluated: 2021-07-19. Review status: criteria provided, single submitter. Criteria: ACMG Guidelines, 2015. Collection method: clinical testing. Allele origin: unknown.

Natera, Inc.
Classification: Uncertain significance for Combined malonic and methylmalonic aciduria. Last evaluated: 2020-01-24. Review status: no assertion criteria provided. Collection method: clinical testing. Allele origin: germline. Not counted in ClinVar's aggregate classification.

PreventionGenetics, part of Exact Sciences
Classification: Likely benign for ACSF3-related condition. Last evaluated: 2019-09-09. Review status: no assertion criteria provided. Collection method: clinical testing. Allele origin: germline. Not counted in ClinVar's aggregate classification.
Comment: This variant is classified as likely benign based on ACMG/AMP sequence variant interpretation guidelines (Richards et al. 2015 PMID: 25741868, with internal and published modifications).